The following is an entry in ClinVar:

ClinVar aggregate classification (germline): Uncertain significance. Review status: criteria provided, single submitter (1 of 4 stars). 2 submissions from 2 submitters: Uncertain significance (1). 1 of the submissions does not count toward it. Last evaluated 2021-08-27.

Conditions:
Retinitis pigmentosa 25 (RP25). Identifiers: Orphanet 791, MedGen C1864446, MONDO:0011272, OMIM 602772.

gnomAD v4.1: 3 of 1,551,596 alleles (0.00019%); highest among the groups gnomAD compares: Non-Finnish European, 0.00026%; no homozygotes.

Submissions (2):

Labcorp Genetics (formerly Invitae), Labcorp
Classification: Uncertain significance. Last evaluated: 2021-08-27. Review status: criteria provided, single submitter. Criteria: Invitae Variant Classification Sherloc (09022015). Collection method: clinical testing. Allele origin: germline.
Comment: This sequence change replaces alanine with proline at codon 2373 of the EYS protein (p.Ala2373Pro). The alanine residue is moderately conserved and there is a small physicochemical difference between alanine and proline. This variant is not present in population databases (ExAC no frequency). This variant has not been reported in the literature in individuals affected with EYS-related conditions. Algorithms developed to predict the effect of missense changes on protein structure and function are either unavailable or do not agree on the potential impact of this missense change (SIFT: "Tolerated"; PolyPhen-2: "Possibly Damaging"; Align-GVGD: "Class C0"). In summary, the available evidence is currently insufficient to determine the role of this variant in disease. Therefore, it has been classified as a Variant of Uncertain Significance.

Natera, Inc.
Classification: Uncertain significance for Retinitis pigmentosa type 25. Last evaluated: 2021-04-28. Review status: no assertion criteria provided. Collection method: clinical testing. Allele origin: germline. Not counted in ClinVar's aggregate classification.

NM_001142800.2(EYS):c.7117G>C (p.Ala2373Pro)

Gene: EYS (eyes shut homolog; minus strand). Cytogenetic location: 6q12.
Variant type: single nucleotide variant.
Coding change: c.7117G>C on transcript NM_001142800.2 (MANE Select); coding-DNA position 7117, G replaced by C.
Protein change: p.Ala2373Pro; replaces alanine 2373 with proline.
Molecular consequence: missense variant.
Genome position (GRCh38, 1-based): chr6:63,864,297, C>G on the plus strand (G>C on the coding strand, the complement: EYS is on the minus strand). VCF-style: chr6-63864297-C-G. GRCh37 (hg19) VCF-style: chr6-64574190-C-G.
Other names: c.7117G>C, p.Ala2373Pro (NM_001292009.2); short protein forms A2373P.
Identifiers: ClinVar variation 969786 (VCV000969786.8), dbSNP rs372512515, ClinGen allele CA364386564.